The following is an entry in ClinVar:

ClinVar aggregate classification (germline): Likely benign. Review status: criteria provided, multiple submitters, no conflicts (2 of 4 stars). 2 submissions from 2 submitters: Likely benign (2). Last evaluated 2024-05-30.

Conditions:
Hereditary cancer-predisposing syndrome. Also called: Neoplastic Syndromes, Hereditary; Tumor predisposition; Hereditary Cancer Syndrome; Hereditary neoplastic syndrome. Identifiers: Orphanet 140162, MedGen C0027672, MeSH D009386, MONDO:0015356.
Lynch syndrome. Identifiers: Orphanet 144, MedGen C4552100, MONDO:0005835. Disease mechanism: loss of function.

Submissions (2):

All of Us Research Program, National Institutes of Health
Classification: Likely benign for Lynch syndrome. Last evaluated: 2024-05-30. Review status: criteria provided, single submitter. Criteria: ACMG Guidelines, 2015. Collection method: clinical testing. Allele origin: germline. Inheritance: Autosomal dominant inheritance. Observed: 1 variant allele, 1 heterozygote.
Comment: This study involves interpretation of variants in research participants for the purpose of population health screening. Participant phenotype was not available at the time of variant classification. Additional details can be found in publication PMID: 35346344, PMCID: PMC8962531

Ambry Genetics
Classification: Likely benign for Hereditary cancer-predisposing syndrome. Last evaluated: 2022-10-24. Review status: criteria provided, single submitter. Criteria: Ambry Variant Classification Scheme 2023. Collection method: clinical testing. Allele origin: germline.

NM_000535.7(PMS2):c.870C>T (p.Phe290=)

Gene: PMS2 (PMS1 homolog 2, mismatch repair system component; minus strand). Cytogenetic location: 7p22.1.
Variant type: single nucleotide variant.
Coding change: c.870C>T on transcript NM_000535.7 (MANE Select); coding-DNA position 870, C replaced by T.
Protein change: p.Phe290=; no amino-acid change (phenylalanine 290 retained).
Molecular consequence: synonymous variant. On other transcripts: 5 prime UTR variant (2), non-coding transcript variant (1), intron variant (4).
Genome position (GRCh38, 1-based): chr7:5,995,567, G>A on the plus strand (C>T on the coding strand, the complement: PMS2 is on the minus strand). VCF-style: chr7-5995567-G-A. GRCh37 (hg19) VCF-style: chr7-6035198-G-A.
Other names: c.465C>T, p.Phe155= (NM_001322010.2, NM_001018040.1, NM_001322003.2 and 20 more transcripts); c.561C>T, p.Phe187= (NM_001322015.2, NM_001406875.1, NM_001406877.1 and 6 more transcripts); c.1056C>T, p.Phe352= (NM_001406866.1); c.-64C>T (NM_001322011.2, NM_001322012.2); c.297C>T, p.Phe99= (NM_001322013.2, NM_001406909.1); c.870C>T, p.Phe290= (NM_001322014.2, NM_001322006.2, NM_001406870.1 and 2 more transcripts); c.552C>T, p.Phe184= (NM_001322007.2, NM_001322008.2, NM_001406876.1 and 4 more transcripts); c.894C>T, p.Phe298= (NM_001406868.1); and 8 more.
Identifiers: ClinVar variation 1764397 (VCV001764397.3), dbSNP rs2536145475, ClinGen allele CA453645796.